The following is an entry in ClinVar:

NM_206933.4(USH2A):c.8681G>A (p.Arg2894Lys)

Gene: USH2A (usherin; minus strand). Cytogenetic location: 1q41.
Variant type: single nucleotide variant.
Coding change: c.8681G>A on transcript NM_206933.4 (MANE Select); coding-DNA position 8681, G replaced by A.
Protein change: p.Arg2894Lys; replaces arginine 2894 with lysine.
Molecular consequence: missense variant.
Genome position (GRCh38, 1-based): chr1:215,877,758, C>T on the plus strand (G>A on the coding strand, the complement: USH2A is on the minus strand). VCF-style: chr1-215877758-C-T. GRCh37 (hg19) VCF-style: chr1-216051100-C-T.
Other names: short protein forms R2894K.
Identifiers: ClinVar variation 495329 (VCV000495329.12), dbSNP rs1369414978, ClinGen allele CA344828778.

ClinVar aggregate classification (germline): Pathogenic/Likely pathogenic. Review status: criteria provided, multiple submitters, no conflicts (2 of 4 stars). 6 submissions from 6 submitters: Pathogenic (2); Likely pathogenic (4). Last evaluated 2026-01-30.

Conditions:
Usher syndrome type 2A. Also called: RETINAL DISEASE IN USHER SYNDROME TYPE IIA, MODIFIER OF; USHER SYNDROME, TYPE IIA. Identifiers: Orphanet 231178, Orphanet 886, MedGen C1848634, MONDO:0010169, OMIM 276901.
Retinitis pigmentosa 39 (RP39). Identifiers: Orphanet 791, MedGen C3151138, MONDO:0013436, OMIM 613809.
USH2A-related disorder. Also called: USH2A-related condition; USH2A-related disorders. Identifiers: MedGen CN239332.

Allele frequency attached by ClinVar (database versions not stated): gnomAD exomes below 0.00001; gnomAD 0.00001.
gnomAD v4.1: 2 of 1,613,492 alleles (0.00012%); highest among the groups gnomAD compares: Non-Finnish European, 0.00017%; no homozygotes.

Submissions (6):

Natera, Inc.
Classification: Likely pathogenic for Usher syndrome type 2A. Last evaluated: 2026-01-30. Review status: criteria provided, single submitter. Criteria: Natera Variant Classification Schema (03/2026). Collection method: clinical testing. Allele origin: germline.
Comment: The c.8681G>A variant in USH2A is a missense variant predicted to cause substitution of arginine to lysine at amino acid 2894. This variant is rare in the general population with a frequency below the threshold expected for the associated phenotype(s). This variant has been observed in one or more individuals affected with the associated recessive disease, as either homozygous or compound heterozygous with a second variant (PMID: 25211151). This variant has been observed to segregate in affected family members (PMID: 25211151). Computational prediction algorithms indicate this variant is likely to affect gene or protein function. Given the available evidence, this variant is classified as Likely Pathogenic.

Baylor Genetics
Classification: Likely pathogenic for Retinitis pigmentosa 39. Last evaluated: 2024-01-03. Review status: criteria provided, single submitter. Criteria: ACMG Guidelines, 2015. Collection method: clinical testing. Allele origin: unknown.

Genome-Nilou Lab
Classification: Likely pathogenic for Retinitis pigmentosa 39. Last evaluated: 2023-11-04. Review status: criteria provided, single submitter. Criteria: ACMG Guidelines, 2015. Collection method: clinical testing. Allele origin: germline. Affected: no.

Labcorp Genetics (formerly Invitae), Labcorp
Classification: Pathogenic. Last evaluated: 2023-08-24. Review status: criteria provided, single submitter. Criteria: Invitae Variant Classification Sherloc (09022015). Collection method: clinical testing. Allele origin: germline.
Comment: This missense change has been observed in individual(s) with Usher syndrome (PMID: 25211151). This sequence change replaces arginine, which is basic and polar, with lysine, which is basic and polar, at codon 2894 of the USH2A protein (p.Arg2894Lys). RNA analysis indicates that this missense change induces altered splicing and likely results in a shortened protein product. This variant is present in population databases (no rsID available, gnomAD 0.007%). ClinVar contains an entry for this variant (Variation ID: 495329). For these reasons, this variant has been classified as Pathogenic. Variants that disrupt the consensus splice site are a relatively common cause of aberrant splicing (PMID: 17576681, 9536098). Studies have shown that this missense change results in skipping of exon 43, but is expected to preserve the integrity of the reading-frame (PMID: 36362125). An algorithm developed to predict the effect of missense changes on protein structure and function (PolyPhen-2) suggests that this variant is likely to be disruptive.

Blueprint Genetics
Classification: Pathogenic for USH2A-related disorders. Last evaluated: 2022-03-05. Review status: criteria provided, single submitter. Criteria: ACMG Guidelines, 2015. Collection method: clinical testing. Allele origin: germline. Affected: yes. Observed: 2 variant alleles.

Broad Center for Mendelian Genomics, Broad Institute of MIT and Harvard
Classification: Likely pathogenic for Retinitis pigmentosa 39. Last evaluated: 2017-06-26. Review status: criteria provided, single submitter. Criteria: ACMG Guidelines, 2015. Collection method: research. Allele origin: germline. Inheritance: Autosomal recessive inheritance. Affected: yes. Observed: 1 variant allele. Study: Broad Institute Center for Mendelian Genomics (CMG).
Comment: The p.Arg2894Lys variant has been reported before in 1 patient. It is in the Fibronectin-15 domain, in trans to a pathogenic frameshift variant (p.R2853Ifs*5) (PM3). In silico predicts that it will be deleterious and will disrupt splicing because it is at the first position in an exon (PP3). Only seen once in genomes in gnomAD (PM2).

Literature cited by the submitters: PubMed 25211151 (cited by 3 submitters); PubMed 17576681 (cited by Labcorp Genetics (formerly Invitae), Labcorp); PubMed 9536098 (cited by Labcorp Genetics (formerly Invitae), Labcorp); PubMed 36362125 (cited by Labcorp Genetics (formerly Invitae), Labcorp).